The following is an entry in ClinVar:

NM_001457.4(FLNB):c.4589A>G (p.Tyr1530Cys)

Gene: FLNB (filamin B; plus strand). Cytogenetic location: 3p14.3.
Variant type: single nucleotide variant.
Coding change: c.4589A>G on transcript NM_001457.4 (MANE Select); coding-DNA position 4589, A replaced by G.
Protein change: p.Tyr1530Cys; replaces tyrosine 1530 with cysteine.
Molecular consequence: missense variant.
Genome position (GRCh38, 1-based): chr3:58,134,690, A>G. VCF-style: chr3-58134690-A-G. GRCh37 (hg19) VCF-style: chr3-58120417-A-G.
Other names: c.4682A>G, p.Tyr1561Cys (NM_001164317.2); c.4589A>G, p.Tyr1530Cys (NM_001164318.2, NM_001164319.2); short protein forms Y1561C, Y1530C.
Identifiers: ClinVar variation 1426840 (VCV001426840.13), dbSNP rs776043627, ClinGen allele CA2468823.

ClinVar aggregate classification (germline): Uncertain significance. Review status: criteria provided, multiple submitters, no conflicts (2 of 4 stars). 2 submissions from 2 submitters: Uncertain significance (2). Last evaluated 2025-12-16.

Conditions:
Larsen syndrome (LRS). Also called: Larsen syndrome (FLNB-LS); Bilateral dislocation of the knees, pes cavus, cylindrically shaped fingers and characteristic facies. Identifiers: Orphanet 503, MedGen C0175778, MONDO:0007875, OMIM 150250. Disease mechanism: loss of function.
Atelosteogenesis type I. Also called: GIANT CELL CHONDRODYSPLASIA; SPONDYLOHUMEROFEMORAL HYPOPLASIA; Atelosteogenesis Type 1 (FLNB-AO1). Identifiers: Orphanet 1190, MedGen C0265283, MONDO:0007167, OMIM 108720.
Boomerang dysplasia. Identifiers: Orphanet 1263, MedGen C0432201, MONDO:0007208, OMIM 112310.
Atelosteogenesis type III. Also called: Atelosteogenesis Type 3 (FLNB-AO3). Identifiers: Orphanet 56305, MedGen C3668942, MONDO:0007168, OMIM 108721.

Allele frequency attached by ClinVar (database versions not stated): gnomAD exomes below 0.00001 and 0.00001; ExAC 0.00001; TOPMed 0.00001.
gnomAD v4.1: 12 of 1,614,144 alleles (0.00074%); highest among the groups gnomAD compares: African/African-American, 0.0013%; no homozygotes.

Submissions (2):

Labcorp Genetics (formerly Invitae), Labcorp
Classification: Uncertain significance. Last evaluated: 2025-12-16. Review status: criteria provided, single submitter. Criteria: Invitae Variant Classification Sherloc (09022015). Collection method: clinical testing. Allele origin: germline.
Comment: This sequence change replaces tyrosine, which is neutral and polar, with cysteine, which is neutral and slightly polar, at codon 1530 of the FLNB protein (p.Tyr1530Cys). This variant is present in population databases (rs776043627, gnomAD 0.0009%). This variant has not been reported in the literature in individuals affected with FLNB-related conditions. ClinVar contains an entry for this variant (Variation ID: 1426840). Invitae Evidence Modeling of protein sequence and biophysical properties (such as structural, functional, and spatial information, amino acid conservation, physicochemical variation, residue mobility, and thermodynamic stability) indicates that this missense variant is not expected to disrupt FLNB protein function with a negative predictive value of 95%. In summary, the available evidence is currently insufficient to determine the role of this variant in disease. Therefore, it has been classified as a Variant of Uncertain Significance.

Diagnostics Services (NGS), CSIR - Centre For Cellular And Molecular Biology
Classification: Uncertain significance for Atelosteogenesis type I; Atelosteogenesis type III; Boomerang dysplasia; Larsen syndrome. Last evaluated: 2022-02-01. Review status: criteria provided, single submitter. Criteria: ACMG Guidelines, 2015. Collection method: clinical testing. Allele origin: unknown. Inheritance: Autosomal dominant inheritance. Affected: yes. Observed: 1 variant allele, 1 heterozygote.
Comment: The c.4682A>G variant is present in gnomAD at a low frequency (MAF 0.00000398). In-silico pathogenicity prediction programs like PolyPhen-2, MutationTaster2, CADD etc. predicted this variant to be likely deleterious, however these predictions are confirmed by any published functional studies. The variant has not been identified or reported in diseased individuals.